The following is an entry in ClinVar:

ClinVar aggregate classification (germline): Uncertain significance (1 of 4 stars; one submission).

Conditions:
Malignant hyperthermia, susceptibility to, 1 (MHS1). Also called: Anesthesia related hyperthermia; Malignant hyperpyrexia; Fulminating hyperpyrexia; Pharmacogenic myopathy; RYR1-Related Malignant Hyperthermia Susceptibility; Malignant hyperthermia suceptibility 1. Identifiers: Orphanet 423, MedGen C2930980, MONDO:0007783, OMIM 145600.

Submission:

All of Us Research Program, National Institutes of Health
Classification: Uncertain significance for Malignant hyperthermia, susceptibility to, 1. Last evaluated: 2024-02-05. Review status: criteria provided, single submitter. Criteria: ACMG Guidelines, 2015. Collection method: clinical testing. Allele origin: germline. Inheritance: Autosomal dominant inheritance. Observed: 1 variant allele, 1 heterozygote.
Comment: This missense variant replaces proline with leucine at codon 2711 of the RYR1 protein. Computational prediction is inconclusive regarding the impact of this variant on protein structure and function (internally defined REVEL score threshold 0.5 < inconclusive < 0.7, PMID: 27666373). To our knowledge, functional studies have not been reported for this variant. This variant has not been reported in individuals affected with RYR1-related disorders in the literature. This variant has not been identified in the general population by the Genome Aggregation Database (gnomAD). The available evidence is insufficient to determine the role of this variant in disease conclusively. Therefore, this variant is classified as a Variant of Uncertain Significance.

This study involves interpretation of variants in research participants for the purpose of population health screening. Participant phenotype was not available at the time of variant classification. Additional details can be found in publication PMID: 35346344, PMCID: PMC8962531

NM_000540.3(RYR1):c.8132C>T (p.Pro2711Leu)

Gene: RYR1 (ryanodine receptor 1; plus strand). Cytogenetic location: 19q13.2.
Variant type: single nucleotide variant.
Coding change: c.8132C>T on transcript NM_000540.3 (MANE Select); coding-DNA position 8132, C replaced by T.
Protein change: p.Pro2711Leu; replaces proline 2711 with leucine.
Molecular consequence: missense variant.
Genome position (GRCh38, 1-based): chr19:38,504,812, C>T. VCF-style: chr19-38504812-C-T. GRCh37 (hg19) VCF-style: chr19-38995452-C-T.
Other names: c.8132C>T, p.Pro2711Leu (NM_001042723.2); short protein forms P2711L.
Identifiers: ClinVar variation 3075445 (VCV003075445.1), dbSNP rs2514354591, ClinGen allele CA405676705.
Genomic context (GRCh38, chr19:38,504,812, plus strand): 5'-ACGACCCGGAGCTGTACCGCATGGCCATGCCTTGTCTGTGCGCCATTGCCGGGGCTCTGC[C>T]CCCCGACTATGTGGATGCCTCATACTCATCTAAGGCAGAGAAAAAGGCCACAGTGGATGC-3'
Protein context (NP_000531.2, residues 2701-2721): PCLCAIAGAL[Pro2711Leu]PDYVDASYSS